The following is an entry in ClinVar:

NM_033159.4(HYAL1):c.33_34del (p.Phe12fs)

Gene: HYAL1 (hyaluronidase 1; minus strand). Cytogenetic location: 3p21.31.
Variant type: Microsatellite.
Coding change: c.33_34del on transcript NM_033159.4 (MANE Select); coding-DNA positions 33 to 34, 2 bases deleted (CT; older notation c.33_34delCT).
Protein change: p.Phe12fs; shifts the reading frame from phenylalanine 12.
Molecular consequence: frameshift variant. On other transcripts: non-coding transcript variant (1), intron variant (2).
Genome position (GRCh38, 1-based): chr3:50,302,923-50,302,924, AG deleted on the plus strand (CT on the coding strand, the reverse complement: HYAL1 is on the minus strand); deleting any 2 consecutive bases within chr3:50,302,923-50,302,926 gives the same sequence; the c. name uses the placement nearest the transcript's 3' end. VCF-style (leftmost placement, unchanged base first): chr3-50302922-AAG-A. GRCh37 (hg19) VCF-style: chr3-50340353-AAG-A.
Other names: c.33_34del, p.Phe12fs (NM_153281.2, NM_153282.3); c.-27+542_-27+543del (NM_153285.3); c.-213-301_-213-300del (NM_153283.3); short protein forms F12fs.
Identifiers: ClinVar variation 4717664 (VCV004717664.1).
Genomic context (GRCh38, chr3:50,302,922, plus strand): 5'-AAGGGCCGGTTGGGTAGCAAGGGGCCCCTAAAGCCTTGGGCCATATCGAGTAAGGTCAGG[AAG>A]AGGGCGCAGATGGGAAGCAGGTGGGCTGCCATGGCACGGGACTGGTCGAGGACAACCTGG-3'

ClinVar aggregate classification (germline): Pathogenic (1 of 4 stars; one submission).

Conditions:
Deficiency of hyaluronoglucosaminidase (MPS9). Also called: MPS IX; Mucopolysaccharidosis type 9; HYALURONIDASE DEFICIENCY. Identifiers: Orphanet 67041, MedGen C1291490, MONDO:0011093, OMIM 601492.

Submission:

Labcorp Genetics (formerly Invitae), Labcorp
Classification: Pathogenic for Deficiency of hyaluronoglucosaminidase. Last evaluated: 2025-10-26. Review status: criteria provided, single submitter. Criteria: Invitae Variant Classification Sherloc (09022015). Collection method: clinical testing. Allele origin: germline.
Comment: This sequence change creates a premature translational stop signal (p.Phe12Profs*11) in the HYAL1 gene. It is expected to result in an absent or disrupted protein product. Loss-of-function variants in HYAL1 are known to be pathogenic (PMID: 10339581, 21559944). This variant is not present in population databases (gnomAD no frequency). This variant has not been reported in the literature in individuals affected with HYAL1-related conditions. For these reasons, this variant has been classified as Pathogenic.

Literature cited by the submitters: PubMed 10339581; PubMed 21559944.